The following is an entry in ClinVar:

NM_001128228.3(TPRN):c.1967-8A>G

Gene: TPRN (taperin; minus strand). Cytogenetic location: 9q34.3.
Variant type: single nucleotide variant.
Coding change: c.1967-8A>G on transcript NM_001128228.3 (MANE Select); 8 bases into the intron before coding-DNA position 1967, A replaced by G.
Molecular consequence: intron variant.
Genome position (GRCh38, 1-based): chr9:137,192,373, T>C on the plus strand (A>G on the coding strand, the complement: TPRN is on the minus strand). VCF-style: chr9-137192373-T-C. GRCh37 (hg19) VCF-style: chr9-140086825-T-C.
Identifiers: ClinVar variation 515193 (VCV000515193.12), dbSNP rs200395964, ClinGen allele CA5362567.

ClinVar aggregate classification (germline): Likely benign. Review status: criteria provided, multiple submitters, no conflicts (2 of 4 stars). 4 submissions from 4 submitters: Likely benign (4). Last evaluated 2026-04-01.

Allele frequency attached by ClinVar (database versions not stated): ESP Exome Variant Server 0.00023; gnomAD 0.00029 and 0.00030; TOPMed 0.00029; gnomAD exomes 0.00044 and 0.00047; ExAC 0.00048.
gnomAD v4.1: 686 of 1,612,782 alleles (0.043%); highest among the groups gnomAD compares: Non-Finnish European, 0.05%; no homozygotes.

Submissions (4):

CeGaT Center for Human Genetics Tuebingen
Classification: Likely benign. Last evaluated: 2026-04-01. Review status: criteria provided, single submitter. Criteria: CeGaT Center For Human Genetics Tuebingen Variant Classification Criteria Version 2. Collection method: clinical testing. Allele origin: germline. Affected: yes. Observed: 1 variant allele.
Comment: TPRN: BP4, BS1:Supporting

Labcorp Genetics (formerly Invitae), Labcorp
Classification: Likely benign. Last evaluated: 2025-10-23. Review status: criteria provided, single submitter. Criteria: Invitae Variant Classification Sherloc (09022015). Collection method: clinical testing. Allele origin: germline.

Blueprint Genetics
Classification: Likely benign. Last evaluated: 2024-11-12. Review status: criteria provided, single submitter. Criteria: ACMG Guidelines, 2015. Collection method: clinical testing. Allele origin: germline.

GeneDx
Classification: Likely benign. Last evaluated: 2019-12-02. Review status: criteria provided, single submitter. Criteria: GeneDx Variant Classification Process June 2021. Collection method: clinical testing. Allele origin: germline. Affected: yes.